The following is an entry in ClinVar:

NM_024675.4(PALB2):c.3303C>T (p.Leu1101=)

Gene: PALB2 (partner and localizer of BRCA2; minus strand). Cytogenetic location: 16p12.2.
Variant type: single nucleotide variant.
Coding change: c.3303C>T on transcript NM_024675.4 (MANE Select); coding-DNA position 3303, C replaced by T.
Protein change: p.Leu1101=; no amino-acid change (leucine 1101 retained).
Molecular consequence: synonymous variant. On other transcripts: intron variant (8).
Genome position (GRCh38, 1-based): chr16:23,607,911, G>A on the plus strand (C>T on the coding strand, the complement: PALB2 is on the minus strand). VCF-style: chr16-23607911-G-A. GRCh37 (hg19) VCF-style: chr16-23619232-G-A.
Other names: c.3243C>T, p.Leu1081= (NM_001407296.1); c.3231C>T, p.Leu1077= (NM_001407297.1); c.3141C>T, p.Leu1047= (NM_001407298.1); c.3024C>T, p.Leu1008= (NM_001407300.1); c.2418C>T, p.Leu806= (NM_001407304.1, NM_001407305.1, NM_001407306.1); c.2256C>T, p.Leu752= (NM_001407307.1); c.1515C>T, p.Leu505= (NM_001407312.1); c.837C>T, p.Leu279= (NM_001407314.1); and 6 more.
Identifiers: ClinVar variation 2110249 (VCV002110249.5), dbSNP rs2506215064, ClinGen allele CA494175553.

ClinVar aggregate classification (germline): Conflicting classifications of pathogenicity. Review status: criteria provided, conflicting classifications (1 of 4 stars). 2 submissions from 2 submitters: Uncertain significance (1); Benign (1). Last evaluated 2025-01-22.

Conditions:
Familial cancer of breast. Also called: hereditary breast carcinoma; BREAST CANCER, FAMILIAL; Hereditary breast cancer. Identifiers: Orphanet 227535, MedGen C0346153, MONDO:0016419, OMIM 114480. Disease mechanism: loss of function.

Submissions (2):

Myriad Genetics, Inc.
Classification: Benign for Familial cancer of breast. Last evaluated: 2025-01-22. Review status: criteria provided, single submitter. Criteria: Myriad Autosomal Dominant, Autosomal Recessive and X-Linked Classification Criteria (2023). Collection method: clinical testing. Allele origin: unknown.
Comment: This variant is considered benign. This variant is a silent/synonymous amino acid change and it is not expected to impact splicing.

Labcorp Genetics (formerly Invitae), Labcorp
Classification: Uncertain significance for Familial cancer of breast. Last evaluated: 2022-03-12. Review status: criteria provided, single submitter. Criteria: Invitae Variant Classification Sherloc (09022015). Collection method: clinical testing. Allele origin: germline.
Comment: This sequence change affects codon 1101 of the PALB2 mRNA. It is a 'silent' change, meaning that it does not change the encoded amino acid sequence of the PALB2 protein. This variant is not present in population databases (gnomAD no frequency). This variant has not been reported in the literature in individuals affected with PALB2-related conditions. Algorithms developed to predict the effect of sequence changes on RNA splicing suggest that this variant may disrupt the consensus splice site. In summary, the available evidence is currently insufficient to determine the role of this variant in disease. Therefore, it has been classified as a Variant of Uncertain Significance.